The following is an entry in ClinVar:

ClinVar aggregate classification (germline): Conflicting classifications of pathogenicity. Review status: criteria provided, conflicting classifications (1 of 4 stars). 3 submissions from 3 submitters: Uncertain significance (2); Likely benign (1). Last evaluated 2025-09-08.

Conditions:
Hereditary cancer-predisposing syndrome. Also called: Hereditary Cancer Syndrome; Hereditary neoplastic syndrome; Tumor predisposition; Neoplastic Syndromes, Hereditary. Identifiers: Orphanet 140162, MedGen C0027672, MeSH D009386, MONDO:0015356.
Hereditary breast ovarian cancer syndrome. Also called: Hereditary breast and ovarian cancer syndrome; Breast and ovarian cancer; Hereditary breast and ovarian cancer; Hereditary breast and/or ovarian cancer syndrome; Hereditary breast and ovarian cancer syndrome (HBOC); BRCA1- and BRCA2-Associated Hereditary Breast and Ovarian Cancer. Identifiers: Orphanet 145, MedGen C0677776, MeSH D061325, MONDO:0003582. Disease mechanism: loss of function.

gnomAD v4.1: 1 of 1,613,890 alleles (0.000062%); highest among the groups gnomAD compares: Non-Finnish European, 0.000085%; no homozygotes.

Submissions (3):

Ambry Genetics
Classification: Likely benign for Hereditary cancer-predisposing syndrome. Last evaluated: 2025-09-08. Review status: criteria provided, single submitter. Criteria: Ambry Variant Classification Scheme 2023. Collection method: clinical testing. Allele origin: germline.

Labcorp Genetics (formerly Invitae), Labcorp
Classification: Uncertain significance for Hereditary breast ovarian cancer syndrome. Last evaluated: 2025-06-25. Review status: criteria provided, single submitter. Criteria: Invitae Variant Classification Sherloc (09022015). Collection method: clinical testing. Allele origin: germline.
Comment: This sequence change replaces isoleucine, which is neutral and non-polar, with threonine, which is neutral and polar, at codon 3075 of the BRCA2 protein (p.Ile3075Thr). This variant is not present in population databases (gnomAD no frequency). This missense change has been observed in individual(s) with breast cancer (PMID: 30287823). ClinVar contains an entry for this variant (Variation ID: 3572374). Invitae Evidence Modeling of protein sequence and biophysical properties (such as structural, functional, and spatial information, amino acid conservation, physicochemical variation, residue mobility, and thermodynamic stability) indicates that this missense variant is not expected to disrupt BRCA2 protein function with a negative predictive value of 95%. Experimental studies have shown that this missense change does not substantially affect BRCA2 function (PMID: 37731132). In summary, the available evidence is currently insufficient to determine the role of this variant in disease. Therefore, it has been classified as a Variant of Uncertain Significance.

Quest Diagnostics Nichols Institute San Juan Capistrano
Classification: Uncertain significance. Last evaluated: 2024-11-08. Review status: criteria provided, single submitter. Criteria: Quest Diagnostics criteria. Collection method: clinical testing. Allele origin: unknown.
Comment: The BRCA2 c.9224T>C (p.Ile3075Thr) variant has been reported in the published literature in individuals affected with breast cancer (PMID: 33471991 (2021)) as well as reportedly healthy individuals (PMID: 30287823 (2018), 36243179 (2022)). This variant was also reported to be functionally neutral in a homologous recombination assay (PMID: 37731132 (2023)). The frequency of this variant in the general population, 0.0000066 (1/152220 chromosomes (Genome Aggregation Database)), is uninformative in the assessment of its pathogenicity. Analysis of this variant using bioinformatics tools for the prediction of the effect of amino acid changes on protein structure and function yielded predictions that this variant is benign. Based on the available information, we are unable to determine the clinical significance of this variant.

Literature cited by the submitters: PubMed 39779857 (cited by Ambry Genetics); PubMed 30287823 (cited by Labcorp Genetics (formerly Invitae), Labcorp and Quest Diagnostics Nichols Institute San Juan Capistrano); PubMed 37731132 (cited by Labcorp Genetics (formerly Invitae), Labcorp and Quest Diagnostics Nichols Institute San Juan Capistrano); PubMed 33471991 (cited by Quest Diagnostics Nichols Institute San Juan Capistrano); PubMed 36243179 (cited by Quest Diagnostics Nichols Institute San Juan Capistrano).

NM_000059.4(BRCA2):c.9224T>C (p.Ile3075Thr)

Gene: BRCA2 (BRCA2 DNA repair associated; plus strand). Cytogenetic location: 13q13.1.
Variant type: single nucleotide variant.
Coding change: c.9224T>C on transcript NM_000059.4 (MANE Select); coding-DNA position 9224, T replaced by C.
Protein change: p.Ile3075Thr; replaces isoleucine 3075 with threonine.
Molecular consequence: missense variant. On other transcripts: non-coding transcript variant (1).
Genome position (GRCh38, 1-based): chr13:32,380,113, T>C. VCF-style: chr13-32380113-T-C. GRCh37 (hg19) VCF-style: chr13-32954250-T-C.
Other names: c.9128T>C, p.Ile3043Thr (NM_001406719.1); c.9173T>C, p.Ile3058Thr (NM_001406720.1); c.4292T>C, p.Ile1431Thr (NM_001406721.1); c.2807T>C, p.Ile936Thr (NM_001406722.1); c.9224T>C, p.Ile3075Thr (NM_001432077.1); short protein forms I1431T, I936T, I3058T, I3043T, I3075T.
Identifiers: ClinVar variation 3572374 (VCV003572374.4).
Genomic context (GRCh38, chr13:32,380,113, plus strand): 5'-TTCACTTCAGCAAATTTTTAGATCCAGACTTTCAGCCATCTTGTTCTGAGGTGGACCTAA[T>C]AGGATTTGTCGTTTCTGTTGTGAAAAAAACAGGTAATGCACAATATAGTTAATTTTTTTT-3'
Protein context (NP_000050.3, residues 3065-3085): FQPSCSEVDL[Ile3075Thr]GFVVSVVKKT